The following is an entry in ClinVar:

NM_000441.2(SLC26A4):c.304G>C (p.Gly102Arg)

Gene: SLC26A4 (solute carrier family 26 member 4; plus strand). Cytogenetic location: 7q22.3.
Variant type: single nucleotide variant.
Coding change: c.304G>C on transcript NM_000441.2 (MANE Select); coding-DNA position 304, G replaced by C.
Protein change: p.Gly102Arg; replaces glycine 102 with arginine.
Molecular consequence: missense variant.
Genome position (GRCh38, 1-based): chr7:107,663,435, G>C. VCF-style: chr7-107663435-G-C. GRCh37 (hg19) VCF-style: chr7-107303880-G-C.
Other names: short protein forms G102R.
Identifiers: ClinVar variation 2776290 (VCV002776290.3), dbSNP rs1219724284, ClinGen allele CA368845853.

ClinVar aggregate classification (germline): Pathogenic (1 of 4 stars; one submission).

gnomAD v4.1: 1 of 1,614,042 alleles (0.000062%); highest among the groups gnomAD compares: Non-Finnish European, 0.000085%; no homozygotes.

Submission:

Labcorp Genetics (formerly Invitae), Labcorp
Classification: Pathogenic. Last evaluated: 2023-10-24. Review status: criteria provided, single submitter. Criteria: Invitae Variant Classification Sherloc (09022015). Collection method: clinical testing. Allele origin: germline.
Comment: This sequence change replaces glycine, which is neutral and non-polar, with arginine, which is basic and polar, at codon 102 of the SLC26A4 protein (p.Gly102Arg). This variant also falls at the last nucleotide of exon 3, which is part of the consensus splice site for this exon. This variant is present in population databases (no rsID available, gnomAD 0.0009%). This missense change has been observed in individual(s) with deafness and/or Pendred syndrome (PMID: 11932316, 34410491). An algorithm developed to predict the effect of missense changes on protein structure and function (PolyPhen-2) suggests that this variant is likely to be disruptive. Experimental studies have shown that this missense change affects SLC26A4 function (PMID: 11932316). Variants that disrupt the consensus splice site are a relatively common cause of aberrant splicing (PMID: 17576681, 9536098). Algorithms developed to predict the effect of sequence changes on RNA splicing suggest that this variant may disrupt the consensus splice site. For these reasons, this variant has been classified as Pathogenic.

Literature cited by the submitters: PubMed 11932316; PubMed 34410491; PubMed 17576681; PubMed 9536098.